The following is an entry in ClinVar:

ClinVar aggregate classification (germline): Uncertain significance (1 of 4 stars; one submission).

Conditions:
Inborn genetic diseases. Identifiers: MedGen C0950123, MeSH D030342.

gnomAD v4.1: 10 of 1,613,990 alleles (0.00062%); highest among the groups gnomAD compares: African/African-American, 0.0027%; no homozygotes.

Submission:

Ambry Genetics
Classification: Uncertain significance for Inborn genetic diseases. Last evaluated: 2026-04-16. Review status: criteria provided, single submitter. Criteria: Ambry Variant Classification Scheme 2023. Collection method: clinical testing. Allele origin: germline.
Comment: The c.339+5G>A intronic alteration consists of a G to A substitution 5 nucleotides after exon 2 (coding exon 2) of the MRPS22 gene. Based on data from gnomAD, the A allele has an overall frequency of <0.001% (1/251374) total alleles studied. The highest observed frequency was 0.001% (1/113666) of European (non-Finnish) alleles. Based on insufficient or conflicting evidence, the clinical significance of this alteration remains unclear.

NM_020191.4(MRPS22):c.339+5G>A

Gene: MRPS22 (mitochondrial ribosomal protein S22; plus strand). Cytogenetic location: 3q23.
Variant type: single nucleotide variant.
Coding change: c.339+5G>A on transcript NM_020191.4 (MANE Select); 5 bases into the intron after coding-DNA position 339, G replaced by A.
Molecular consequence: intron variant.
Genome position (GRCh38, 1-based): chr3:139,347,049, G>A. VCF-style: chr3-139347049-G-A. GRCh37 (hg19) VCF-style: chr3-139065891-G-A.
Other names: c.336+5G>A (NM_001363893.1); c.216+5G>A (NM_001363857.1).
Identifiers: ClinVar variation 4860278 (VCV004860278.1).